The following is an entry in ClinVar:

ClinVar aggregate classification (germline): Pathogenic. Review status: criteria provided, multiple submitters, no conflicts (2 of 4 stars). 2 submissions from 2 submitters: Pathogenic (2). Last evaluated 2024-04-01.

Conditions:
Familial multiple polyposis syndrome (FAP). Also called: Familial adenomatous polyposis; Familial intestinal polyposis; Classic familial adenomatous polyposis; Familial Adenomatous Polyposis (FAP); Familial polyposis. Identifiers: Orphanet 733, MedGen C0032580, MONDO:0021055. Disease mechanism: loss of function.
Familial adenomatous polyposis 1 (FAP1). Also called: FAMILIAL ADENOMATOUS POLYPOSIS 1, ATTENUATED; POLYPOSIS, ADENOMATOUS INTESTINAL. Identifiers: MedGen C2713442, MONDO:0021056, OMIM 175100. Disease mechanism: loss of function.

Submissions (2):

Myriad Genetics, Inc.
Classification: Pathogenic for Familial adenomatous polyposis 1. Last evaluated: 2024-04-01. Review status: criteria provided, single submitter. Criteria: Myriad Autosomal Dominant, Autosomal Recessive and X-Linked Classification Criteria (2023). Collection method: clinical testing. Allele origin: unknown.
Comment: This variant is considered pathogenic. This variant creates a frameshift predicted to result in premature protein truncation.

Women's Health and Genetics/Laboratory Corporation of America, LabCorp
Classification: Pathogenic for Familial multiple polyposis syndrome. Last evaluated: 2023-11-20. Review status: criteria provided, single submitter. Criteria: LabCorp Variant Classification Summary - May 2015. Collection method: clinical testing. Allele origin: germline.
Comment: Variant summary: APC c.3803dupC (p.Ile1269AsnfsX7) results in a premature termination codon, which is not predicted to undergo nonsense-mediated decay. Variants downstream of this position have been classified as pathogenic by our laboratory. The variant was absent in 250524 control chromosomes. To our knowledge, no occurrence of c.3803dupC in individuals affected with Familial Adenomatous Polyposis and no experimental evidence demonstrating its impact on protein function have been reported. No submitters have cited clinical-significance assessments for this variant to ClinVar after 2014. Based on the evidence outlined above, the variant was classified as pathogenic.

NM_000038.6(APC):c.3803dup (p.Ile1269fs)

Gene: APC (APC regulator of Wnt signaling pathway; plus strand). Cytogenetic location: 5q22.2.
Variant type: Duplication.
Coding change: c.3803dup on transcript NM_000038.6 (MANE Select); coding-DNA position 3803, one base duplicated (C; older notation c.3803dupC).
Protein change: p.Ile1269fs; shifts the reading frame from isoleucine 1269.
Molecular consequence: frameshift variant. On other transcripts: non-coding transcript variant (2).
Genome position (GRCh38, 1-based): chr5:112,839,397, C duplicated; the last of 2 consecutive C bases (chr5:112,839,396-112,839,397); duplicating either gives the same sequence. VCF-style (leftmost placement, unchanged base first): chr5-112839395-T-TC. GRCh37 (hg19) VCF-style: chr5-112175092-T-TC.
Other names: c.3803dupC (NM_000038.6); c.3803dup, p.Ile1269fs (NM_001127510.3, NM_001354895.2, NM_001407450.1); c.3749dup, p.Ile1251fs (NM_001127511.3); c.3857dup, p.Ile1287fs (NM_001354896.2, NM_001407447.1, NM_001407448.1 and 1 more transcripts); c.3833dup, p.Ile1279fs (NM_001354897.2); c.3728dup, p.Ile1244fs (NM_001354898.2); c.3719dup, p.Ile1241fs (NM_001354899.2); c.3680dup, p.Ile1228fs (NM_001354900.2); and 12 more; short protein forms I1109fs, I1140fs, I1143fs, I1168fs, I1178fs, I1186fs, I1210fs, I1228fs.
Identifiers: ClinVar variation 2682626 (VCV002682626.2), dbSNP rs2533525579, ClinGen allele CA645543602.